The following is an entry in ClinVar:

ClinVar aggregate classification (germline): Uncertain significance (1 of 4 stars; one submission).

Conditions:
Hereditary sensory neuropathy-deafness-dementia syndrome. Also called: HSN IE; Hereditary sensory neuropathy type IE; Hereditary Sensory and Autonomic Neuropathy Type 1E (HSAN1E); NEUROPATHY, HEREDITARY SENSORY, WITH HEARING LOSS AND DEMENTIA. Identifiers: Orphanet 456318, MedGen C3279885, MONDO:0013584, OMIM 614116.

gnomAD v4.1: 1 of 1,607,442 alleles (0.000062%); highest among the groups gnomAD compares: African/African-American, 0.0013%; no homozygotes.

Submission:

Labcorp Genetics (formerly Invitae), Labcorp
Classification: Uncertain significance for Hereditary sensory neuropathy-deafness-dementia syndrome. Last evaluated: 2023-12-23. Review status: criteria provided, single submitter. Criteria: Invitae Variant Classification Sherloc (09022015). Collection method: clinical testing. Allele origin: germline.
Comment: This sequence change falls in intron 33 of the DNMT1 gene. It does not directly change the encoded amino acid sequence of the DNMT1 protein. It affects a nucleotide within the consensus splice site. This variant is not present in population databases (gnomAD no frequency). This variant has not been reported in the literature in individuals affected with DNMT1-related conditions. ClinVar contains an entry for this variant (Variation ID: 2102245). Variants that disrupt the consensus splice site are a relatively common cause of aberrant splicing (PMID: 17576681, 9536098). Algorithms developed to predict the effect of sequence changes on RNA splicing suggest that this variant is not likely to affect RNA splicing. In summary, the available evidence is currently insufficient to determine the role of this variant in disease. Therefore, it has been classified as a Variant of Uncertain Significance.

Literature cited by the submitters: PubMed 17576681; PubMed 9536098.

NM_001130823.3(DNMT1):c.3806+6C>G

Gene: DNMT1 (DNA methyltransferase 1; minus strand). Cytogenetic location: 19p13.2.
Variant type: single nucleotide variant.
Coding change: c.3806+6C>G on transcript NM_001130823.3 (MANE Select); 6 bases into the intron after coding-DNA position 3806, C replaced by G.
Molecular consequence: intron variant.
Genome position (GRCh38, 1-based): chr19:10,140,040, G>C on the plus strand (C>G on the coding strand, the complement: DNMT1 is on the minus strand). VCF-style: chr19-10140040-G-C. GRCh37 (hg19) VCF-style: chr19-10250716-G-C.
Other names: c.3443+6C>G (NM_001318731.2); c.3758+6C>G (NM_001379.4, NM_001318730.2).
Identifiers: ClinVar variation 2102245 (VCV002102245.4), dbSNP rs371779379, ClinGen allele CA783153547.
Genomic context (GRCh38, chr19:10,140,040, plus strand): 5'-ACCACTGCTGACATGCGGCACAGCCCCGGGCCGTCTGGCAACACTGGGGGGCTTCTACCC[G>C]TTTACCTGAGGAAGGAAACCACCAGAGAGTTTTTGAACTTGGAGTAGGTGCGCGAATTGA-3'